The following is an entry in ClinVar:

NM_000152.5(GAA):c.1425G>A (p.Pro475=)

Gene: GAA (alpha glucosidase; plus strand). Cytogenetic location: 17q25.3.
Variant type: single nucleotide variant.
Coding change: c.1425G>A on transcript NM_000152.5 (MANE Select); coding-DNA position 1425, G replaced by A.
Protein change: p.Pro475=; no amino-acid change (proline 475 retained).
Molecular consequence: synonymous variant.
Genome position (GRCh38, 1-based): chr17:80,110,043, G>A. VCF-style: chr17-80110043-G-A. GRCh37 (hg19) VCF-style: chr17-78083842-G-A.
Other names: c.1425G>A (LRG_673t1); c.1425G>A, p.Pro475= (NM_001079803.3, NM_001079804.3).
Identifiers: ClinVar variation 281994 (VCV000281994.27), dbSNP rs753140491, ClinGen allele CA8815315.
Genomic context (GRCh38, chr17:80,110,043, plus strand): 5'-CAGGCCCTACGACGAGGGTCTGCGGAGGGGGGTTTTCATCACCAACGAGACCGGCCAGCC[G>A]CTGATTGGGAAGGTAGGGCGAGGGTCCAGGGGACGGGGGTTAGAAAGCAGAGGCCTCCAG-3'
Protein context (NP_000143.2, residues 465-485): GVFITNETGQ[Pro475=]LIGKVWPGST

ClinVar aggregate classification (germline): Conflicting classifications of pathogenicity. Review status: criteria provided, conflicting classifications (1 of 4 stars). 6 submissions from 6 submitters: Uncertain significance (1); Likely benign (5). Last evaluated 2026-01-24.

Conditions:
Cardiovascular phenotype. Identifiers: MedGen CN230736.
Glycogen storage disease, type II (IOPD). Also called: CARDIOMEGALIA GLYCOGENICA DIFFUSA; GLYCOGENOSIS, GENERALIZED, CARDIAC FORM; GSD II; Pompe Disease; POMPE DISEASE, INFANTILE-ONSET; GLYCOGEN STORAGE DISEASE II, INFANTILE-ONSET. Identifiers: Orphanet 365, MedGen C0017921, MONDO:0009290, OMIM 232300.

Allele frequency attached by ClinVar (database versions not stated): TOPMed 0.00003; gnomAD exomes 0.00004 and 0.00006; ExAC 0.00005; gnomAD 0.00005.
gnomAD v4.1: 67 of 1,612,992 alleles (0.0042%); highest among the groups gnomAD compares: Admixed American, 0.018%; no homozygotes.

Submissions (6):

Labcorp Genetics (formerly Invitae), Labcorp
Classification: Likely benign for Glycogen storage disease, type II. Last evaluated: 2026-01-24. Review status: criteria provided, single submitter. Criteria: Invitae Variant Classification Sherloc (09022015). Collection method: clinical testing. Allele origin: germline.

CeGaT Center for Human Genetics Tuebingen
Classification: Likely benign. Last evaluated: 2025-12-01. Review status: criteria provided, single submitter. Criteria: CeGaT Center For Human Genetics Tuebingen Variant Classification Criteria Version 2. Collection method: clinical testing. Allele origin: germline. Affected: yes. Observed: 1 variant allele.
Comment: GAA: BP4, BP7

Ambry Genetics
Classification: Likely benign for Cardiovascular phenotype. Last evaluated: 2022-05-02. Review status: criteria provided, single submitter. Criteria: Ambry Variant Classification Scheme 2023. Collection method: clinical testing. Allele origin: germline.

Genome-Nilou Lab
Classification: Likely benign for Glycogen storage disease, type II. Last evaluated: 2021-07-22. Review status: criteria provided, single submitter. Criteria: ACMG Guidelines, 2015. Collection method: clinical testing. Allele origin: germline. Affected: no.

Broad Center for Mendelian Genomics, Broad Institute of MIT and Harvard
Classification: Likely benign for Glycogen storage disease, type II. Last evaluated: 2020-01-22. Review status: criteria provided, single submitter. Criteria: ACMG Guidelines, 2015. Collection method: curation. Allele origin: germline. Inheritance: Autosomal recessive inheritance.
Comment: The c.1425G>A (p.Pro475=) variant in GAA has not been previously reported in individuals with Glycogen Storage Disease II but has been reported as a VUS by EGL Genetic Diagnostics and a likely benign variant by Invitae in ClinVar (Variation ID: 281994). This variant has been identified in 0.031% (11/35380) of Latino chromosomes by the Genome Aggregation Database (gnomAD; dbSNP rs753140491). Although this variant has been seen in the general population, its frequency is low enough to be consistent with a recessive carrier frequency. Computational prediction tools and conservation analyses suggest that this variant may not impact the protein, though this information is not predictive enough to rule out pathogenicity. However, novel synonymous variants supported by computational evidence without raised suspicion for an impact are likely benign (Richards 2015). In summary, although additional studies are required to fully establish its clinical significance, this variant is likely benign. ACMG/AMP Criteria applied: PM2, BP4, BP7 (Richards 2015).

Eurofins Ntd Llc (ga)
Classification: Uncertain significance. Last evaluated: 2015-07-15. Review status: criteria provided, single submitter. Criteria: EGL Classification Definitions 2015. Collection method: clinical testing. Allele origin: germline. Observed: 1 variant allele, 1 heterozygote.